The following is an entry in ClinVar:

NM_015378.4(VPS13D):c.7722G>C (p.Leu2574=)

Gene: VPS13D (vacuolar protein sorting 13 homolog D; plus strand). Cytogenetic location: 1p36.22.
Variant type: single nucleotide variant.
Coding change: c.7722G>C on transcript NM_015378.4 (MANE Select); coding-DNA position 7722, G replaced by C.
Protein change: p.Leu2574=; no amino-acid change (leucine 2574 retained).
Molecular consequence: synonymous variant.
Genome position (GRCh38, 1-based): chr1:12,322,553, G>C. VCF-style: chr1-12322553-G-C. GRCh37 (hg19) VCF-style: chr1-12382610-G-C.
Other names: c.7722G>C, p.Leu2574= (NM_018156.4).
Identifiers: ClinVar variation 1310312 (VCV001310312.5), dbSNP rs746257631, ClinGen allele CA602918.
Genomic context (GRCh38, chr1:12,322,553, plus strand): 5'-AATGCAGCTTTAAAAAATTGCTACCTTTTTTACATTTTGTTAGATTCAGTTACAAGCCCT[G>C]GATATCAGACTCTCCTATAATGATGTTCAGCTGTTTCTTGCCATTGCAAAATCCATCCCA-3'
Protein context (NP_056193.2, residues 2564-2584): PPVLEIQLQA[Leu2574=]DIRLSYNDVQ

ClinVar aggregate classification (germline): Conflicting classifications of pathogenicity. Review status: criteria provided, conflicting classifications (1 of 4 stars). 2 submissions from 2 submitters: Uncertain significance (1); Likely benign (1). Last evaluated 2022-12-12.

Allele frequency attached by ClinVar (database versions not stated): TOPMed 0.00001; ExAC 0.00002; gnomAD exomes 0.00002 and 0.00003; gnomAD 0.00003 and 0.00004.
gnomAD v4.1: 49 of 1,614,028 alleles (0.003%); highest among the groups gnomAD compares: Non-Finnish European, 0.0042%; no homozygotes.

Submissions (2):

Labcorp Genetics (formerly Invitae), Labcorp
Classification: Likely benign. Last evaluated: 2022-12-12. Review status: criteria provided, single submitter. Criteria: Invitae Variant Classification Sherloc (09022015). Collection method: clinical testing. Allele origin: germline.

GeneDx
Classification: Uncertain significance. Last evaluated: 2019-11-27. Review status: criteria provided, single submitter. Criteria: GeneDx Variant Classification Process June 2021. Collection method: clinical testing. Allele origin: germline. Affected: yes.
Comment: Not observed at a significant frequency in large population cohorts (Lek et al., 2016); Has not been previously published as pathogenic or benign to our knowledge; In-silico analysis, which includes splice predictors and evolutionary conservation, is inconclusive as to whether the variant alters gene splicing. In the absence of RNA/functional studies, the actual effect of this sequence change is unknown